The following is an entry in ClinVar:

NM_014159.7(SETD2):c.3358A>C (p.Ile1120Leu)

Gene: SETD2 (SET domain containing 2, histone lysine methyltransferase; minus strand). Cytogenetic location: 3p21.31.
Variant type: single nucleotide variant.
Coding change: c.3358A>C on transcript NM_014159.7 (MANE Select); coding-DNA position 3358, A replaced by C.
Protein change: p.Ile1120Leu; replaces isoleucine 1120 with leucine.
Molecular consequence: missense variant. On other transcripts: non-coding transcript variant (1).
Genome position (GRCh38, 1-based): chr3:47,121,278, T>G on the plus strand (A>C on the coding strand, the complement: SETD2 is on the minus strand). VCF-style: chr3-47121278-T-G. GRCh37 (hg19) VCF-style: chr3-47162768-T-G.
Other names: c.3226A>C, p.Ile1076Leu (NM_001349370.3); short protein forms I1076L, I1120L.
Identifiers: ClinVar variation 2229399 (VCV002229399.4), dbSNP rs1314067079, ClinGen allele CA352522769.

ClinVar aggregate classification (germline): Uncertain significance. Review status: criteria provided, multiple submitters, no conflicts (2 of 4 stars). 2 submissions from 2 submitters: Uncertain significance (2). Last evaluated 2025-01-09.

Conditions:
Inborn genetic diseases. Identifiers: MedGen C0950123, MeSH D030342.

gnomAD v4.1: 1 of 1,613,660 alleles (0.000062%); highest among the groups gnomAD compares: Non-Finnish European, 0.000085%; no homozygotes.

Submissions (2):

Dasa
Classification: Uncertain significance. Last evaluated: 2025-01-09. Review status: criteria provided, single submitter. Criteria: DASA Assertion Criteria. Collection method: clinical testing. Allele origin: germline.
Comment: NM_014159.7(SETD2):c.3358A>C (p.Ile1120Leu) is a missense variant that results in the substitution of isoleucine with leucine. This variant is rare in population databases. Computational prediction algorithms are consistent with a benign effect. The currently available literature and clinical evidence are not sufficient to establish a definitive association between this variant and the reported condition. Therefore, this variant is classified as a variant of uncertain significance.

Ambry Genetics
Classification: Uncertain significance for Inborn genetic diseases. Last evaluated: 2021-02-22. Review status: criteria provided, single submitter. Criteria: Ambry Variant Classification Scheme 2023. Collection method: clinical testing. Allele origin: germline.
Comment: The c.3358A>C (p.I1120L) alteration is located in exon 3 (coding exon 3) of the SETD2 gene. This alteration results from a A to C substitution at nucleotide position 3358, causing the isoleucine (I) at amino acid position 1120 to be replaced by a leucine (L). The p.I1120L alteration is predicted to be tolerated by in silico analysis. Based on insufficient or conflicting evidence, the clinical significance of this alteration remains unclear.